The following is an entry in ClinVar:

ClinVar aggregate classification (germline): Uncertain significance. Review status: criteria provided, multiple submitters, no conflicts (2 of 4 stars). 3 submissions from 3 submitters: Uncertain significance (3). Last evaluated 2026-03-02.

Conditions:
Hereditary cancer-predisposing syndrome. Also called: Hereditary Cancer Syndrome; Neoplastic Syndromes, Hereditary; Tumor predisposition; Hereditary neoplastic syndrome. Identifiers: Orphanet 140162, MedGen C0027672, MeSH D009386, MONDO:0015356.
Pigmented nodular adrenocortical disease, primary, 1 (PPNAD1). Also called: ADRENOCORTICAL NODULAR DYSPLASIA, PRIMARY; CUSHING SYNDROME, ADRENAL, DUE TO PPNAD1; PIGMENTED MICRONODULAR ADRENOCORTICAL DISEASE, PRIMARY, 1. Identifiers: Orphanet 189439, MedGen C1864846, MONDO:0012509, OMIM 610489.
Familial atrial myxoma. Identifiers: Orphanet 615, MedGen C2931787, MONDO:0009719, OMIM 255960.
Acrodysostosis 1 with or without hormone resistance (ACRDYS1). Also called: ACRODYSOSTOSIS WITH HORMONE RESISTANCE; ACRODYSOSTOSIS 1 WITH HORMONE RESISTANCE; ACRODYSOSTOSIS 1 WITHOUT HORMONE RESISTANCE. Identifiers: Orphanet 280651, MedGen C3276228, MONDO:0007044, OMIM 101800.
Carney complex, type 1 (CNC1). Also called: CARNEY MYXOMA-ENDOCRINE COMPLEX; CARNEY COMPLEX, TYPE I. Identifiers: Orphanet 1359, MedGen C2607929, MONDO:0008057, OMIM 160980.

Submissions (3):

Ambry Genetics
Classification: Uncertain significance for Hereditary cancer-predisposing syndrome. Last evaluated: 2026-03-02. Review status: criteria provided, single submitter. Criteria: Ambry Variant Classification Scheme 2023. Collection method: clinical testing. Allele origin: germline.

Labcorp Genetics (formerly Invitae), Labcorp
Classification: Uncertain significance for Carney complex, type 1. Last evaluated: 2024-09-12. Review status: criteria provided, single submitter. Criteria: Invitae Variant Classification Sherloc (09022015). Collection method: clinical testing. Allele origin: germline.
Comment: This sequence change replaces proline, which is neutral and non-polar, with threonine, which is neutral and polar, at codon 353 of the PRKAR1A protein (p.Pro353Thr). This variant is not present in population databases (gnomAD no frequency). This variant has not been reported in the literature in individuals affected with PRKAR1A-related conditions. ClinVar contains an entry for this variant (Variation ID: 1039853). Invitae Evidence Modeling of protein sequence and biophysical properties (such as structural, functional, and spatial information, amino acid conservation, physicochemical variation, residue mobility, and thermodynamic stability) indicates that this missense variant is not expected to disrupt PRKAR1A protein function with a negative predictive value of 80%. In summary, the available evidence is currently insufficient to determine the role of this variant in disease. Therefore, it has been classified as a Variant of Uncertain Significance.

Fulgent Genetics
Classification: Uncertain significance for Acrodysostosis 1 with or without hormone resistance; Carney complex, type 1; Familial atrial myxoma; Pigmented nodular adrenocortical disease, primary, 1. Last evaluated: 2024-01-23. Review status: criteria provided, single submitter. Criteria: ACMG Guidelines, 2015. Collection method: clinical testing. Allele origin: germline.

NM_002734.5(PRKAR1A):c.1057C>A (p.Pro353Thr)

Gene: PRKAR1A (protein kinase cAMP-dependent type I regulatory subunit alpha; plus strand). Cytogenetic location: 17q24.2.
Variant type: single nucleotide variant.
Coding change: c.1057C>A on transcript NM_002734.5 (MANE Select); coding-DNA position 1057, C replaced by A.
Protein change: p.Pro353Thr; replaces proline 353 with threonine.
Molecular consequence: missense variant. On other transcripts: intron variant (1).
Genome position (GRCh38, 1-based): chr17:68,530,360, C>A. VCF-style: chr17-68530360-C-A. GRCh37 (hg19) VCF-style: chr17-66526501-C-A.
Other names: c.1057C>A, p.Pro353Thr (NM_001276289.2, NM_001278433.2, NM_001369389.1 and 3 more transcripts); c.973+359C>A (NM_001276290.1); short protein forms P353T.
Identifiers: ClinVar variation 1039853 (VCV001039853.14), dbSNP rs2085939977, ClinGen allele CA400754698.